The following is an entry in ClinVar:

NM_004092.4(ECHS1):c.582T>C (p.Thr194=)

Gene: ECHS1 (enoyl-CoA hydratase, short chain 1; minus strand). Cytogenetic location: 10q26.3.
Variant type: single nucleotide variant.
Coding change: c.582T>C on transcript NM_004092.4 (MANE Select); coding-DNA position 582, T replaced by C.
Protein change: p.Thr194=; no amino-acid change (threonine 194 retained).
Molecular consequence: synonymous variant.
Genome position (GRCh38, 1-based): chr10:133,366,926, A>G on the plus strand (T>C on the coding strand, the complement: ECHS1 is on the minus strand). VCF-style: chr10-133366926-A-G. GRCh37 (hg19) VCF-style: chr10-135180430-A-G.
Other names: p.Thr194=.
Identifiers: ClinVar variation 379966 (VCV000379966.15), dbSNP rs2230261, ClinGen allele CA5765723.

ClinVar aggregate classification (germline): Benign. Review status: criteria provided, multiple submitters, no conflicts (2 of 4 stars). 6 submissions from 6 submitters: Benign (6). Last evaluated 2026-02-04.

Conditions:
Mitochondrial short-chain Enoyl-Coa hydratase 1 deficiency. Also called: PxMD-ECHS1; Mitochondrial Short-Chain Enoyl-CoA Hydratase Deficiency; ECHS1 deficiency. Identifiers: Orphanet 255241, Orphanet 653880, MedGen C4225391, MONDO:0014563, OMIM 616277.

Allele frequency attached by ClinVar (database versions not stated): ESP Exome Variant Server 0.94187; TOPMed 0.94387; 1000 Genomes Project 30x 0.94503; 1000 Genomes Project 0.94788; ExAC 0.98411; gnomAD exomes 0.99506.
gnomAD v4.1: 1,597,389 of 1,612,438 alleles (99%); highest among the groups gnomAD compares: East Asian, 100%; 792,275 homozygotes.

Submissions (6):

Labcorp Genetics (formerly Invitae), Labcorp
Classification: Benign. Last evaluated: 2026-02-04. Review status: criteria provided, single submitter. Criteria: Invitae Variant Classification Sherloc (09022015). Collection method: clinical testing. Allele origin: germline.

Blueprint Genetics
Classification: Benign. Last evaluated: 2024-11-27. Review status: criteria provided, single submitter. Criteria: ACMG Guidelines, 2015. Collection method: clinical testing. Allele origin: germline.

Mayo Clinic Laboratories, Mayo Clinic
Classification: Benign. Last evaluated: 2022-04-26. Review status: criteria provided, single submitter. Criteria: ACMG Guidelines, 2015. Collection method: clinical testing. Allele origin: germline. Observed: 87 variant alleles.

Genome-Nilou Lab
Classification: Benign for Mitochondrial short-chain Enoyl-Coa hydratase 1 deficiency. Last evaluated: 2021-07-30. Review status: criteria provided, single submitter. Criteria: ACMG Guidelines, 2015. Collection method: clinical testing. Allele origin: germline. Affected: no.

GeneDx
Classification: Benign. Last evaluated: 2015-12-02. Review status: criteria provided, single submitter. Criteria: GeneDx Variant Classification (06012015). Collection method: clinical testing. Allele origin: germline. Affected: yes.
Comment: This variant is considered likely benign or benign based on one or more of the following criteria: it is a conservative change, it occurs at a poorly conserved position in the protein, it is predicted to be benign by multiple in silico algorithms, and/or has population frequency not consistent with disease.

Breakthrough Genomics
Classification: Benign. Review status: criteria provided, single submitter. Criteria: ACMG Guidelines, 2015. Collection method: not provided. Allele origin: germline. Inheritance: Autosomal recessive inheritance. Affected: yes.